The following is an entry in ClinVar:

ClinVar aggregate classification (germline): Uncertain significance (1 of 4 stars; one submission).

Conditions:
Long QT syndrome (LQTS). Identifiers: MedGen C0023976, MeSH D008133, MONDO:0002442. Disease mechanism: loss of function. Inheritance: Various modes of inheritance.

Submission:

Labcorp Genetics (formerly Invitae), Labcorp
Classification: Uncertain significance for Long QT syndrome. Last evaluated: 2022-09-09. Review status: criteria provided, single submitter. Criteria: Invitae Variant Classification Sherloc (09022015). Collection method: clinical testing. Allele origin: germline.
Comment: In summary, the available evidence is currently insufficient to determine the role of this variant in disease. Therefore, it has been classified as a Variant of Uncertain Significance. Algorithms developed to predict the effect of missense changes on protein structure and function (SIFT, PolyPhen-2, Align-GVGD) all suggest that this variant is likely to be tolerated. This variant has not been reported in the literature in individuals affected with ANK2-related conditions. This variant is not present in population databases (gnomAD no frequency). This sequence change replaces valine, which is neutral and non-polar, with aspartic acid, which is acidic and polar, at codon 2296 of the ANK2 protein (p.Val2296Asp).

NM_001148.6(ANK2):c.6887T>A (p.Val2296Asp)

Genes: ANK2 (ankyrin 2; plus strand), LOC126807137 (CDK7 strongly-dependent group 2 enhancer GRCh37_chr4:114276560-114277759; plus strand). Cytogenetic location: 4q26.
Variant type: single nucleotide variant.
Coding change: c.6887T>A on transcript NM_001148.6 (MANE Select); coding-DNA position 6887, T replaced by A.
Protein change: p.Val2296Asp; replaces valine 2296 with aspartic acid.
Molecular consequence: missense variant. On other transcripts: intron variant (68).
Genome position (GRCh38, 1-based): chr4:113,355,505, T>A. VCF-style: chr4-113355505-T-A. GRCh37 (hg19) VCF-style: chr4-114276661-T-A.
Other names: c.6653T>A, p.Val2218Asp (NM_001386142.1); c.3287T>A, p.Val1096Asp (NM_001386166.1); c.7028T>A, p.Val2343Asp (NM_001386174.1); c.7004T>A, p.Val2335Asp (NM_001386175.1); c.4411+5256T>A (NM_001386186.2, NM_001386148.2); c.4213+5256T>A (NM_001354269.3); c.4291+5256T>A (NM_001386187.2); c.4252+5256T>A (NM_001386147.1); and 35 more; short protein forms V1096D, V2218D, V2296D, V2335D, V2343D.
Identifiers: ClinVar variation 1719080 (VCV001719080.6), dbSNP rs2505636835, ClinGen allele CA357928540.